The following is an entry in ClinVar:

NM_004655.4(AXIN2):c.2276T>G (p.Leu759Arg)

Gene: AXIN2 (axin 2; minus strand). Cytogenetic location: 17q24.1.
Variant type: single nucleotide variant.
Coding change: c.2276T>G on transcript NM_004655.4 (MANE Select); coding-DNA position 2276, T replaced by G.
Protein change: p.Leu759Arg; replaces leucine 759 with arginine.
Molecular consequence: missense variant.
Genome position (GRCh38, 1-based): chr17:65,534,041, A>C on the plus strand (T>G on the coding strand, the complement: AXIN2 is on the minus strand). VCF-style: chr17-65534041-A-C. GRCh37 (hg19) VCF-style: chr17-63530159-A-C.
Other names: c.2276T>G (LRG_296t1); c.2081T>G, p.Leu694Arg (NM_001363813.1); short protein forms L759R, L694R.
Identifiers: ClinVar variation 408791 (VCV000408791.10), dbSNP rs1060502135, ClinGen allele CA16615556.

ClinVar aggregate classification (germline): Uncertain significance (1 of 4 stars; one submission).

Conditions:
Oligodontia-cancer predisposition syndrome. Also called: TOOTH AGENESIS-COLORECTAL CANCER SYNDROME. Identifiers: Orphanet 300576, MedGen C1837750, MONDO:0012075, OMIM 608615. Disease mechanism: loss of function.

Submission:

Labcorp Genetics (formerly Invitae), Labcorp
Classification: Uncertain significance for Oligodontia-cancer predisposition syndrome. Last evaluated: 2019-10-12. Review status: criteria provided, single submitter. Criteria: Invitae Variant Classification Sherloc (09022015). Collection method: clinical testing. Allele origin: germline.
Comment: This variant is not present in population databases (ExAC no frequency). This sequence change replaces leucine with arginine at codon 759 of the AXIN2 protein (p.Leu759Arg). The leucine residue is weakly conserved and there is a moderate physicochemical difference between leucine and arginine. This variant has not been reported in the literature in individuals with AXIN2-related disease. ClinVar contains an entry for this variant (Variation ID: 408791). In summary, the available evidence is currently insufficient to determine the role of this variant in disease. Therefore, it has been classified as a Variant of Uncertain Significance. Algorithms developed to predict the effect of missense changes on protein structure and function (SIFT, PolyPhen-2, Align-GVGD) all suggest that this variant is likely to be tolerated, but these predictions have not been confirmed by published functional studies and their clinical significance is uncertain.